The following is an entry in ClinVar:

NM_000038.6(APC):c.3338A>G (p.Asn1113Ser)

Gene: APC (APC regulator of Wnt signaling pathway; plus strand). Cytogenetic location: 5q22.2.
Variant type: single nucleotide variant.
Coding change: c.3338A>G on transcript NM_000038.6 (MANE Select); coding-DNA position 3338, A replaced by G.
Protein change: p.Asn1113Ser; replaces asparagine 1113 with serine.
Molecular consequence: missense variant.
Genome position (GRCh38, 1-based): chr5:112,838,932, A>G. VCF-style: chr5-112838932-A-G. GRCh37 (hg19) VCF-style: chr5-112174629-A-G.
Other names: c.3338A>G, p.Asn1113Ser (NM_001354895.2, NM_001127510.3); c.3392A>G, p.Asn1131Ser (NM_001354896.2); c.3368A>G, p.Asn1123Ser (NM_001354897.2); c.3263A>G, p.Asn1088Ser (NM_001354898.2); c.3254A>G, p.Asn1085Ser (NM_001354899.2); c.3215A>G, p.Asn1072Ser (NM_001354900.2); c.3161A>G, p.Asn1054Ser (NM_001354901.2); c.3065A>G, p.Asn1022Ser (NM_001354902.2); and 6 more; short protein forms N1085S, N1022S, N1054S, N1088S, N1095S, N1113S, N1131S, N953S.
Identifiers: ClinVar variation 1514551 (VCV001514551.9), dbSNP rs2149889854, ClinGen allele CA16028652.

ClinVar aggregate classification (germline): Uncertain significance. Review status: criteria provided, multiple submitters, no conflicts (2 of 4 stars). 2 submissions from 2 submitters: Uncertain significance (2). Last evaluated 2025-07-21.

Conditions:
Hereditary cancer-predisposing syndrome. Also called: Tumor predisposition; Neoplastic Syndromes, Hereditary; Hereditary neoplastic syndrome; Hereditary Cancer Syndrome. Identifiers: Orphanet 140162, MedGen C0027672, MeSH D009386, MONDO:0015356.
Familial adenomatous polyposis 1 (FAP1). Also called: FAMILIAL ADENOMATOUS POLYPOSIS 1, ATTENUATED; POLYPOSIS, ADENOMATOUS INTESTINAL. Identifiers: MedGen C2713442, MONDO:0021056, OMIM 175100. Disease mechanism: loss of function.

Submissions (2):

Labcorp Genetics (formerly Invitae), Labcorp
Classification: Uncertain significance for Familial adenomatous polyposis 1. Last evaluated: 2025-07-21. Review status: criteria provided, single submitter. Criteria: Invitae Variant Classification Sherloc (09022015). Collection method: clinical testing. Allele origin: germline.
Comment: This sequence change replaces asparagine, which is neutral and polar, with serine, which is neutral and polar, at codon 1113 of the APC protein (p.Asn1113Ser). This variant is not present in population databases (gnomAD no frequency). This variant has not been reported in the literature in individuals affected with APC-related conditions. ClinVar contains an entry for this variant (Variation ID: 1514551). Invitae Evidence Modeling of protein sequence and biophysical properties (such as structural, functional, and spatial information, amino acid conservation, physicochemical variation, residue mobility, and thermodynamic stability) indicates that this missense variant is not expected to disrupt APC protein function with a negative predictive value of 95%. In summary, the available evidence is currently insufficient to determine the role of this variant in disease. Therefore, it has been classified as a Variant of Uncertain Significance.

Ambry Genetics
Classification: Uncertain significance for Hereditary cancer-predisposing syndrome. Last evaluated: 2024-02-10. Review status: criteria provided, single submitter. Criteria: Ambry Variant Classification Scheme 2023. Collection method: clinical testing. Allele origin: germline.
Comment: The p.N1113S variant (also known as c.3338A>G), located in coding exon 15 of the APC gene, results from an A to G substitution at nucleotide position 3338. The asparagine at codon 1113 is replaced by serine, an amino acid with highly similar properties. This amino acid position is conserved. In addition, in silico predictors for this gene do not accurately predict pathogenicity. Based on the available evidence, the clinical significance of this alteration remains unclear.